The following is an entry in ClinVar:

NM_001376.5(DYNC1H1):c.9738C>G (p.Asp3246Glu)

Gene: DYNC1H1 (dynein cytoplasmic 1 heavy chain 1; plus strand). Cytogenetic location: 14q32.31.
Variant type: single nucleotide variant.
Coding change: c.9738C>G on transcript NM_001376.5 (MANE Select); coding-DNA position 9738, C replaced by G.
Protein change: p.Asp3246Glu; replaces aspartic acid 3246 with glutamic acid.
Molecular consequence: missense variant.
Genome position (GRCh38, 1-based): chr14:102,029,914, C>G. VCF-style: chr14-102029914-C-G. GRCh37 (hg19) VCF-style: chr14-102496251-C-G.
Other names: short protein forms D3246E.
Identifiers: ClinVar variation 4802073 (VCV004802073.1).

ClinVar aggregate classification (germline): Uncertain significance (1 of 4 stars; one submission).

Conditions:
Charcot-Marie-Tooth disease axonal type 2O. Also called: CHARCOT-MARIE-TOOTH NEUROPATHY, AXONAL, TYPE 2O; CHARCOT-MARIE-TOOTH DISEASE, AXONAL, AUTOSOMAL DOMINANT, TYPE 2O; Charcot-Marie-Tooth Neuropathy Type 2O; Charcot-Marie-Tooth disease, axonal, type 20. Identifiers: Orphanet 284232, MedGen C3280220, MONDO:0013644, OMIM 614228.

gnomAD v4.1: 1 of 1,614,052 alleles (0.000062%); no homozygotes.

Submission:

Labcorp Genetics (formerly Invitae), Labcorp
Classification: Uncertain significance for Charcot-Marie-Tooth disease axonal type 2O. Last evaluated: 2025-07-31. Review status: criteria provided, single submitter. Criteria: Invitae Variant Classification Sherloc (09022015). Collection method: clinical testing. Allele origin: germline.
Comment: This sequence change replaces aspartic acid, which is acidic and polar, with glutamic acid, which is acidic and polar, at codon 3246 of the DYNC1H1 protein (p.Asp3246Glu). This variant is not present in population databases (gnomAD no frequency). This variant has not been reported in the literature in individuals affected with DYNC1H1-related conditions. Invitae Evidence Modeling of protein sequence and biophysical properties (such as structural, functional, and spatial information, amino acid conservation, physicochemical variation, residue mobility, and thermodynamic stability) indicates that this missense variant is not expected to disrupt DYNC1H1 protein function with a negative predictive value of 95%. In summary, the available evidence is currently insufficient to determine the role of this variant in disease. Therefore, it has been classified as a Variant of Uncertain Significance.